The following is an entry in ClinVar:

ClinVar aggregate classification (germline): Pathogenic (1 of 4 stars; one submission).

Submission:

Labcorp Genetics (formerly Invitae), Labcorp
Classification: Pathogenic. Last evaluated: 2023-10-18. Review status: criteria provided, single submitter. Criteria: Invitae Variant Classification Sherloc (09022015). Collection method: clinical testing. Allele origin: germline.
Comment: This sequence change creates a premature translational stop signal (p.Tyr1241*) in the LAMA3 gene. It is expected to result in an absent or disrupted protein product. Loss-of-function variants in LAMA3 are known to be pathogenic (PMID: 10366601, 11810295, 12915477, 16473856, 17362460, 22434185, 23869449, 27827380, 28087116). This variant is not present in population databases (gnomAD no frequency). This variant has not been reported in the literature in individuals affected with LAMA3-related conditions. For these reasons, this variant has been classified as Pathogenic.

Literature cited by the submitters: PubMed 10366601; PubMed 11810295; PubMed 12915477; PubMed 16473856; PubMed 17362460; PubMed 22434185; PubMed 23869449; PubMed 27827380; PubMed 28087116.

NM_198129.4(LAMA3):c.8550T>A (p.Tyr2850Ter)

Gene: LAMA3 (laminin subunit alpha 3; plus strand). Cytogenetic location: 18q11.2.
Variant type: single nucleotide variant.
Coding change: c.8550T>A on transcript NM_198129.4 (MANE Select); coding-DNA position 8550, T replaced by A.
Protein change: p.Tyr2850Ter; replaces tyrosine 2850 with a stop codon.
Molecular consequence: nonsense.
Genome position (GRCh38, 1-based): chr18:23,931,175, T>A. VCF-style: chr18-23931175-T-A. GRCh37 (hg19) VCF-style: chr18-21511139-T-A.
Other names: c.3723T>A, p.Tyr1241Ter (NM_000227.6); c.8382T>A, p.Tyr2794Ter (NM_001127717.4); c.3555T>A, p.Tyr1185Ter (NM_001127718.4); short protein forms Y2850*, Y1185*, Y1241*, Y2794*.
Identifiers: ClinVar variation 2767781 (VCV002767781.3), dbSNP rs1244369953, ClinGen allele CA402065049.